The following is an entry in ClinVar:

NM_001271.4(CHD2):c.2764del (p.Glu922fs)

Gene: CHD2 (chromodomain helicase DNA binding protein 2; plus strand). Cytogenetic location: 15q26.1.
Variant type: Deletion.
Coding change: c.2764del on transcript NM_001271.4 (MANE Select); coding-DNA position 2764, one base deleted (G; older notation c.2764delG).
Protein change: p.Glu922fs; shifts the reading frame from glutamic acid 922.
Molecular consequence: frameshift variant.
Genome position (GRCh38, 1-based): chr15:92,979,171, G deleted; the last of 2 consecutive G bases (chr15:92,979,170-92,979,171); deleting either gives the same sequence. VCF-style (leftmost placement, unchanged base first): chr15-92979169-TG-T. GRCh37 (hg19) VCF-style: chr15-93522399-TG-T.
Other names: short protein forms E922fs.
Identifiers: ClinVar variation 1677060 (VCV001677060.1), dbSNP rs2141844216, ClinGen allele CA2573151325.
Genomic context (GRCh38, chr15:92,979,169, plus strand): 5'-AAGCATAACAGTTCCTTTTCCTACAGGTAAATATTTACCGCTTAGTTACAAAGGGGACTG[TG>T]GAGGAGGAGATCATAGAACGGGCCAAAAAGAAGATGGTATTAGATCATCTGGTGATTCAG-3'

ClinVar aggregate classification (germline): Likely pathogenic (1 of 4 stars; one submission).

Conditions:
Developmental and epileptic encephalopathy 94 (DEE94). Also called: Epileptic encephalopathy, childhood-onset; CHD2-Related Neurodevelopmental Disorders. Identifiers: Orphanet 1942, Orphanet 2382, MedGen C3809278, MONDO:0014150, OMIM 615369.

Submission:

Women's Health and Genetics/Laboratory Corporation of America, LabCorp
Classification: Likely pathogenic for Developmental and epileptic encephalopathy 94. Last evaluated: 2022-03-09. Review status: criteria provided, single submitter. Criteria: LabCorp Variant Classification Summary - May 2015. Collection method: clinical testing. Allele origin: germline.
Comment: Variant summary: CHD2 c.2764delG (p.Glu922ArgfsX5) results in a premature termination codon, predicted to cause a truncation of the encoded protein or absence of the protein due to nonsense mediated decay, which are commonly known mechanisms for disease. Truncations downstream of this position have been reported in HGMD and have been classified as pathogenic in ClinVar. The variant was absent in 251156 control chromosomes. To our knowledge, no occurrence of c.2764delG in individuals affected with Developmental And Epileptic Encephalopathy 94 and no experimental evidence demonstrating its impact on protein function have been reported. No clinical diagnostic laboratories have submitted clinical-significance assessments for this variant to ClinVar after 2014. Based on the evidence outlined above, the variant was classified as likely pathogenic.